The following is an entry in ClinVar:

ClinVar aggregate classification (germline): Uncertain significance (1 of 4 stars; one submission).

Conditions:
Focal segmental glomerulosclerosis 5 (FSGS5). Identifiers: Orphanet 656, MedGen C2750475, MONDO:0013191, OMIM 613237.
Charcot-Marie-Tooth disease dominant intermediate E. Also called: CHARCOT-MARIE-TOOTH NEUROPATHY WITH FOCAL SEGMENTAL GLOMERULONEPHRITIS. Identifiers: Orphanet 93114, MedGen C4302667, MONDO:0013758, OMIM 614455.

Submission:

Labcorp Genetics (formerly Invitae), Labcorp
Classification: Uncertain significance for Charcot-Marie-Tooth disease dominant intermediate E; Focal segmental glomerulosclerosis 5. Last evaluated: 2023-10-14. Review status: criteria provided, single submitter. Criteria: Invitae Variant Classification Sherloc (09022015). Collection method: clinical testing. Allele origin: germline.
Comment: This sequence change replaces alanine, which is neutral and non-polar, with glutamic acid, which is acidic and polar, at codon 213 of the INF2 protein (p.Ala213Glu). This variant is not present in population databases (gnomAD no frequency). This variant has not been reported in the literature in individuals affected with INF2-related conditions. Advanced modeling of protein sequence and biophysical properties (such as structural, functional, and spatial information, amino acid conservation, physicochemical variation, residue mobility, and thermodynamic stability) performed at Invitae indicates that this missense variant is not expected to disrupt INF2 protein function. In summary, the available evidence is currently insufficient to determine the role of this variant in disease. Therefore, it has been classified as a Variant of Uncertain Significance.

NM_022489.4(INF2):c.638C>A (p.Ala213Glu)

Gene: INF2 (inverted formin 2; plus strand). Cytogenetic location: 14q32.33.
Variant type: single nucleotide variant.
Coding change: c.638C>A on transcript NM_022489.4 (MANE Select); coding-DNA position 638, C replaced by A.
Protein change: p.Ala213Glu; replaces alanine 213 with glutamic acid.
Molecular consequence: missense variant.
Genome position (GRCh38, 1-based): chr14:104,703,425, C>A. VCF-style: chr14-104703425-C-A. GRCh37 (hg19) VCF-style: chr14-105169762-C-A.
Other names: c.638C>A, p.Ala213Glu (NM_001031714.4, NM_001426862.1, NM_001426863.1 and 6 more transcripts); short protein forms A213E.
Identifiers: ClinVar variation 2943595 (VCV002943595.3), dbSNP rs746572452, ClinGen allele CA391213428.